The following is an entry in ClinVar:

ClinVar aggregate classification (germline): Uncertain significance (1 of 4 stars; one submission).

Conditions:
Arginase deficiency. Also called: ARGININEMIA; ARG1 DEFICIENCY; Arginase 1 Deficiency. Identifiers: Orphanet 90, MedGen C0268548, MONDO:0008814, OMIM 207800.

Submission:

Neuberg Centre For Genomic Medicine, NCGM
Classification: Uncertain significance for Arginase deficiency. Review status: criteria provided, single submitter. Criteria: ACMG Guidelines, 2015. Collection method: clinical testing. Allele origin: germline. Affected: yes.
Comment: The missense variant p.T292R in ARG1 (NM_000045.4) has not been reported previously as a pathogenic variant nor as a benign variant, to our knowledge. The p.T292R variant is novel (not in any individuals) in gnomAD Exomes and is novel (not in any individuals) in 1000 Genomes. The p.T292R missense variant is predicted to be damaging by both SIFT and PolyPhen2. The threonine residue at codon 292 of ARG1 is conserved in all mammalian species. The nucleotide c.875 in ARG1 is predicted conserved by GERP++ and PhyloP across 100 vertebrates. For these reasons, this variant has been classified as Uncertain Significance.

NM_000045.4(ARG1):c.875C>G (p.Thr292Arg)

Genes: ARG1 (arginase 1; plus strand), MED23 (mediator complex subunit 23; minus strand). Cytogenetic location: 6q23.2.
Variant type: single nucleotide variant.
Coding change: c.875C>G on transcript NM_000045.4 (MANE Select); coding-DNA position 875, C replaced by G.
Protein change: p.Thr292Arg; replaces threonine 292 with arginine.
Molecular consequence: missense variant. On other transcripts: non-coding transcript variant (1), intron variant (2).
Genome position (GRCh38, 1-based): chr6:131,583,814, C>G. VCF-style: chr6-131583814-C-G. GRCh37 (hg19) VCF-style: chr6-131904954-C-G.
Other names: c.899C>G, p.Thr300Arg (NM_001244438.2); c.620C>G, p.Thr207Arg (NM_001369020.1); c.4077+3895G>C (NM_001270521.2); c.4095+3895G>C (NM_015979.4); short protein forms T207R, T292R, T300R.
Identifiers: ClinVar variation 1338999 (VCV001338999.4), dbSNP rs2114551376, ClinGen allele CA365653624.